The following is an entry in ClinVar:

ClinVar aggregate classification (germline): Conflicting classifications of pathogenicity. Review status: criteria provided, conflicting classifications (1 of 4 stars). 2 submissions from 2 submitters: Likely pathogenic (1); Uncertain significance (1). Last evaluated 2025-10-02.

Conditions:
Congenital myasthenic syndrome 12 (CMS12). Also called: Myasthenia, congenital, 12, with tubular aggregates; MYASTHENIC SYNDROME, CONGENITAL, WITH TUBULAR AGGREGATES 1. Identifiers: Orphanet 353327, Orphanet 590, MedGen C3552335, MONDO:0012518, OMIM 610542.

Allele frequency attached by ClinVar (database versions not stated): gnomAD exomes below 0.00001 and 0.00001; TOPMed below 0.00001; gnomAD 0.00001.
gnomAD v4.1: 12 of 1,607,312 alleles (0.00075%); highest among the groups gnomAD compares: Non-Finnish European, 0.001%; no homozygotes.

Submissions (2):

Labcorp Genetics (formerly Invitae), Labcorp
Classification: Uncertain significance for Congenital myasthenic syndrome 12. Last evaluated: 2025-10-02. Review status: criteria provided, single submitter. Criteria: Invitae Variant Classification Sherloc (09022015). Collection method: clinical testing. Allele origin: germline.
Comment: This sequence change replaces glutamic acid, which is acidic and polar, with alanine, which is neutral and non-polar, at codon 537 of the GFPT1 protein (p.Glu537Ala). This variant is present in population databases (no rsID available, gnomAD 0.0009%). This variant has not been reported in the literature in individuals affected with GFPT1-related conditions. ClinVar contains an entry for this variant (Variation ID: 1025055). Invitae Evidence Modeling of protein sequence and biophysical properties (such as structural, functional, and spatial information, amino acid conservation, physicochemical variation, residue mobility, and thermodynamic stability) indicates that this missense variant is not expected to disrupt GFPT1 protein function with a negative predictive value of 80%. In summary, the available evidence is currently insufficient to determine the role of this variant in disease. Therefore, it has been classified as a Variant of Uncertain Significance.

Center for Human Genetics and Genomic Medicine, Uniklinik Rwth Aachen
Classification: Likely pathogenic for Congenital myasthenic syndrome 12. Last evaluated: 2024-08-13. Review status: criteria provided, single submitter. Criteria: ACMG Guidelines, 2015. Collection method: clinical testing. Allele origin: paternal. Inheritance: Autosomal recessive inheritance. Affected: yes. Observed: 1 compound heterozygote.
Comment: The variant has been detected in compound heterozygosity with a pathogenic variant in GFTP1. It has a low frequency in large population databases and is not reported in homozygosity among controls. Bioinformatic prediction tools indicate a possible pathogenicity of the variant. We have therefore classified the variant as likely pathogenic (PM2, PM3, PP2, PP3).

NM_001244710.2(GFPT1):c.1610A>C (p.Glu537Ala)

Gene: GFPT1 (glutamine--fructose-6-phosphate transaminase 1; minus strand). Cytogenetic location: 2p13.3.
Variant type: single nucleotide variant.
Coding change: c.1610A>C on transcript NM_001244710.2 (MANE Select); coding-DNA position 1610, A replaced by C.
Protein change: p.Glu537Ala; replaces glutamic acid 537 with alanine.
Molecular consequence: missense variant.
Genome position (GRCh38, 1-based): chr2:69,329,412, T>G on the plus strand (A>C on the coding strand, the complement: GFPT1 is on the minus strand). VCF-style: chr2-69329412-T-G. GRCh37 (hg19) VCF-style: chr2-69556544-T-G.
Other names: c.1556A>C, p.Glu519Ala (NM_002056.4); short protein forms E519A, E537A.
Identifiers: ClinVar variation 1025055 (VCV001025055.10), dbSNP rs988021644, ClinGen allele CA49447254.